The following is an entry in ClinVar:

NM_173651.4(FSIP2):c.2729A>G (p.Asn910Ser)

Genes: FSIP2 (fibrous sheath interacting protein 2; plus strand), FSIP2-AS1 (FSIP2 antisense RNA 1; minus strand). Cytogenetic location: 2q32.1.
Variant type: single nucleotide variant.
Coding change: c.2729A>G on transcript NM_173651.4 (MANE Select); coding-DNA position 2729, A replaced by G.
Protein change: p.Asn910Ser; replaces asparagine 910 with serine.
Molecular consequence: missense variant.
Genome position (GRCh38, 1-based): chr2:185,789,865, A>G. VCF-style: chr2-185789865-A-G. GRCh37 (hg19) VCF-style: chr2-186654592-A-G.
Other names: short protein forms N910S.
Identifiers: ClinVar variation 3060908 (VCV003060908.2), dbSNP rs992822, ClinGen allele CA2016588.
Genomic context (GRCh38, chr2:185,789,865, plus strand): 5'-ATTTAATATCAAATATTTTTTCCCAGTCTTCTTTGGTTGCTTATATAGAGGAAGCAATCA[A>G]TGCTATACTAGGTTATATACAAACTGAACTAAATAATGAGAGAATTATTGCATCTGAAGA-3'
Protein context (NP_775922.3, residues 900-920): SLVAYIEEAI[Asn910Ser]AILGYIQTEL

ClinVar aggregate classification (germline): Benign (0 of 4 stars; one submission).

Conditions:
FSIP2-related disorder. Also called: FSIP2-related condition.

Allele frequency attached by ClinVar (database versions not stated): TOPMed 0.53221; 1000 Genomes Project 30x 0.53904; 1000 Genomes Project 0.54034; gnomAD exomes 0.54209; gnomAD 0.54461; ExAC 0.58279.
gnomAD v4.1: 828,559 of 1,528,136 alleles (54%); highest among the groups gnomAD compares: South Asian, 64%; 226,434 homozygotes.

Submission:

PreventionGenetics, part of Exact Sciences
Classification: Benign for FSIP2-related condition. Last evaluated: 2019-10-17. Review status: no assertion criteria provided. Collection method: clinical testing. Allele origin: germline.
Comment: This variant is classified as benign based on ACMG/AMP sequence variant interpretation guidelines (Richards et al. 2015 PMID: 25741868, with internal and published modifications).